The following is an entry in ClinVar:

ClinVar aggregate classification (germline): Likely pathogenic (1 of 4 stars; one submission).

Submission:

Mayo Clinic Laboratories, Mayo Clinic
Classification: Likely pathogenic. Last evaluated: 2025-04-15. Review status: criteria provided, single submitter. Criteria: ACMG Guidelines, 2015. Collection method: clinical testing. Allele origin: germline. Observed: 1 variant allele.
Comment: PM2_supporting, PVS1

NM_000488.4(SERPINC1):c.658A>T (p.Lys220Ter)

Gene: SERPINC1 (serpin family C member 1; minus strand). Cytogenetic location: 1q25.1.
Variant type: single nucleotide variant.
Coding change: c.658A>T on transcript NM_000488.4 (MANE Select); coding-DNA position 658, A replaced by T.
Protein change: p.Lys220Ter; replaces lysine 220 with a stop codon.
Molecular consequence: nonsense.
Genome position (GRCh38, 1-based): chr1:173,910,858, T>A on the plus strand (A>T on the coding strand, the complement: SERPINC1 is on the minus strand). VCF-style: chr1-173910858-T-A. GRCh37 (hg19) VCF-style: chr1-173879996-T-A.
Other names: p.Lys220*; c.514A>T, p.Lys172Ter (NM_001365052.2); c.658A>T, p.Lys220Ter (NM_001386302.1, NM_001386304.1, NM_001386305.1); c.739A>T, p.Lys247Ter (NM_001386303.1); c.442A>T, p.Lys148Ter (NM_001386306.1); short protein forms K247*, K220*, K148*, K172*.
Identifiers: ClinVar variation 4541922 (VCV004541922.1).